The following is an entry in ClinVar:

ClinVar aggregate classification (germline): Benign. Review status: criteria provided, multiple submitters, no conflicts (2 of 4 stars). 6 submissions from 6 submitters: Benign (5). 1 of the submissions does not count toward it. Last evaluated 2026-02-04.

Conditions:
Emery-Dreifuss muscular dystrophy 5, autosomal dominant (EDMD5). Also called: EMERY-DREIFUSS MUSCULAR DYSTROPHY 5. Identifiers: Orphanet 261, MedGen C2751805, MONDO:0013072, OMIM 612999.

Allele frequency attached by ClinVar (database versions not stated): gnomAD exomes 0.00387 and 0.01012; ExAC 0.01251; gnomAD 0.03801 and 0.04106; TOPMed 0.04267; ESP Exome Variant Server 0.04483; 1000 Genomes Project 0.04553; 1000 Genomes Project 30x 0.04966.
gnomAD v4.1: 11,663 of 1,614,066 alleles (0.72%); highest among the groups gnomAD compares: African/African-American, 14%; 696 homozygotes.

Submissions (6):

Labcorp Genetics (formerly Invitae), Labcorp
Classification: Benign for Emery-Dreifuss muscular dystrophy 5, autosomal dominant. Last evaluated: 2026-02-04. Review status: criteria provided, single submitter. Criteria: Invitae Variant Classification Sherloc (09022015). Collection method: clinical testing. Allele origin: germline.

Athena Diagnostics
Classification: Benign. Last evaluated: 2025-02-24. Review status: criteria provided, single submitter. Criteria: Athena Diagnostics Criteria. Collection method: clinical testing. Allele origin: unknown.
Comment: The frequency of this variant in the general population is higher than would generally be expected for pathogenic variants in this gene.

GeneDx
Classification: Benign. Last evaluated: 2018-07-09. Review status: criteria provided, single submitter. Criteria: GeneDx Variant Classification Process June 2021. Collection method: clinical testing. Allele origin: germline. Affected: yes.

Illumina Laboratory Services, Illumina
Classification: Benign for Emery-Dreifuss muscular dystrophy 5, autosomal dominant. Last evaluated: 2018-01-13. Review status: criteria provided, single submitter. Criteria: ICSL Variant Classification Criteria 13 December 2019. Collection method: clinical testing. Allele origin: germline.
Comment: This variant was observed in the ICSL laboratory as part of a predisposition screen in an ostensibly healthy population. It had not been previously curated by ICSL or reported in the Human Gene Mutation Database (HGMD: prior to June 1st, 2018), and was therefore a candidate for classification through an automated scoring system. Utilizing variant allele frequency, disease prevalence and penetrance estimates, and inheritance mode, an automated score was calculated to assess if this variant is too frequent to cause the disease. Based on the score and internal cut-off values, a variant classified as benign is not then subjected to further curation. The score for this variant resulted in a classification of benign for this disease.

Breakthrough Genomics
Classification: Benign. Review status: criteria provided, single submitter. Criteria: ACMG Guidelines, 2015. Collection method: not provided. Allele origin: germline. Inheritance: Autosomal dominant inheritance. Affected: yes.

Genetic Services Laboratory, University of Chicago
Classification: Likely benign for AllHighlyPenetrant. Review status: no assertion criteria provided. Collection method: clinical testing. Allele origin: germline. Inheritance: Autosomal dominant inheritance. Not counted in ClinVar's aggregate classification.
Comment: Likely benign based on allele frequency in 1000 Genomes Project or ESP global frequency and its presence in a patient with a rare or unrelated disease phenotype. NOT Sanger confirmed.

NM_182914.3(SYNE2):c.14776T>C (p.Leu4926=)

Gene: SYNE2 (spectrin repeat containing nuclear envelope protein 2; plus strand). Cytogenetic location: 14q23.2.
Variant type: single nucleotide variant.
Coding change: c.14776T>C on transcript NM_182914.3 (MANE Select); coding-DNA position 14776, T replaced by C.
Protein change: p.Leu4926=; no amino-acid change (leucine 4926 retained).
Molecular consequence: synonymous variant.
Genome position (GRCh38, 1-based): chr14:64,137,916, T>C. VCF-style: chr14-64137916-T-C. GRCh37 (hg19) VCF-style: chr14-64604634-T-C.
Other names: c.14776T>C, p.Leu4926= (NM_015180.6).
Identifiers: ClinVar variation 130477 (VCV000130477.23), dbSNP rs8007874, ClinGen allele CA155542.